The following is an entry in ClinVar:

ClinVar aggregate classification (germline): Conflicting classifications of pathogenicity. Review status: criteria provided, conflicting classifications (1 of 4 stars). 3 submissions from 3 submitters: Uncertain significance (1); Likely benign (1). 1 of the submissions does not count toward it. Last evaluated 2022-10-18.

Conditions:
CFAP410-related disorder. Also called: CFAP410-related condition.

Allele frequency attached by ClinVar (database versions not stated): gnomAD 0.00003 and 0.00004; ExAC 0.00016; TOPMed 0.00018; gnomAD exomes 0.00024.

Submissions (3):

Labcorp Genetics (formerly Invitae), Labcorp
Classification: Uncertain significance. Last evaluated: 2022-10-18. Review status: criteria provided, single submitter. Criteria: Invitae Variant Classification Sherloc (09022015). Collection method: clinical testing. Allele origin: germline.
Comment: This sequence change replaces arginine, which is basic and polar, with cysteine, which is neutral and slightly polar, at codon 113 of the CFAP410 protein (p.Arg113Cys). This variant is present in population databases (rs767756871, gnomAD 0.2%). This variant has not been reported in the literature in individuals affected with CFAP410-related conditions. ClinVar contains an entry for this variant (Variation ID: 939646). Advanced modeling of protein sequence and biophysical properties (such as structural, functional, and spatial information, amino acid conservation, physicochemical variation, residue mobility, and thermodynamic stability) performed at Invitae indicates that this missense variant is expected to disrupt CFAP410 protein function. In summary, the available evidence is currently insufficient to determine the role of this variant in disease. Therefore, it has been classified as a Variant of Uncertain Significance.

Blueprint Genetics
Classification: Likely benign. Last evaluated: 2022-02-01. Review status: criteria provided, single submitter. Criteria: ACMG Guidelines, 2015. Collection method: clinical testing. Allele origin: germline.

PreventionGenetics, part of Exact Sciences
Classification: Uncertain significance for CFAP410-related condition. Last evaluated: 2023-12-15. Review status: no assertion criteria provided. Collection method: clinical testing. Allele origin: germline. Not counted in ClinVar's aggregate classification.
Comment: The CFAP410 c.337C>T variant is predicted to result in the amino acid substitution p.Arg113Cys. To our knowledge, this variant has not been reported in the literature. This variant is reported in 0.096% of alleles in individuals of Latino descent in gnomAD v4. Although we suspect that this variant may be benign, at this time, the clinical significance of this variant is uncertain due to the absence of conclusive functional and genetic evidence.

NM_004928.3(CFAP410):c.337C>T (p.Arg113Cys)

Gene: CFAP410 (cilia and flagella associated protein 410; minus strand). Cytogenetic location: 21q22.3.
Variant type: single nucleotide variant.
Coding change: c.337C>T on transcript NM_004928.3 (MANE Select); coding-DNA position 337, C replaced by T.
Protein change: p.Arg113Cys; replaces arginine 113 with cysteine.
Molecular consequence: missense variant.
Genome position (GRCh38, 1-based): chr21:44,333,069, G>A on the plus strand (C>T on the coding strand, the complement: CFAP410 is on the minus strand). VCF-style: chr21-44333069-G-A. GRCh37 (hg19) VCF-style: chr21-45752952-G-A.
Other names: c.337C>T, p.Arg113Cys (NM_001271440.2, NM_001271441.2); c.214C>T, p.Arg72Cys (NM_001271442.1); short protein forms R113C, R72C.
Identifiers: ClinVar variation 939646 (VCV000939646.7), dbSNP rs767756871, ClinGen allele CA10053722.